The following is an entry in ClinVar:

ClinVar aggregate classification (germline): Pathogenic (1 of 4 stars; one submission).

Conditions:
Leukocyte adhesion deficiency 1 (LAD1). Also called: LEUKOCYTE ADHESION DEFICIENCY, TYPE I; LAD 1; Lymphocyte function-associated antigen 1 immunodeficiency; LFA 1 immunodeficiency. Identifiers: Orphanet 2968, Orphanet 99842, MedGen C0398738, MONDO:0007293, OMIM 116920.

Submission:

Labcorp Genetics (formerly Invitae), Labcorp
Classification: Pathogenic for Leukocyte adhesion deficiency 1. Last evaluated: 2024-05-09. Review status: criteria provided, single submitter. Criteria: Invitae Variant Classification Sherloc (09022015). Collection method: clinical testing. Allele origin: germline.
Comment: This sequence change creates a premature translational stop signal (p.Asp376Thrfs*3) in the ITGB2 gene. It is expected to result in an absent or disrupted protein product. Loss-of-function variants in ITGB2 are known to be pathogenic (PMID: 22134107, 25703682). This variant is not present in population databases (gnomAD no frequency). This variant has not been reported in the literature in individuals affected with ITGB2-related conditions. For these reasons, this variant has been classified as Pathogenic.

Literature cited by the submitters: PubMed 22134107; PubMed 25703682.

NM_000211.5(ITGB2):c.1125del (p.Asp376fs)

Gene: ITGB2 (integrin subunit beta 2; minus strand). Cytogenetic location: 21q22.3.
Variant type: Deletion.
Coding change: c.1125del on transcript NM_000211.5 (MANE Select); coding-DNA position 1125, one base deleted (C; older notation c.1125delC).
Protein change: p.Asp376fs; shifts the reading frame from aspartic acid 376.
Molecular consequence: frameshift variant.
Genome position (GRCh38, 1-based): chr21:44,893,503, G deleted on the plus strand (C on the coding strand, the reverse complement: ITGB2 is on the minus strand); the first of 4 consecutive G bases (chr21:44,893,503-44,893,506); deleting any one gives the same sequence. VCF-style (leftmost placement, unchanged base first): chr21-44893502-CG-C. GRCh37 (hg19) VCF-style: chr21-46313417-CG-C.
Other names: c.1125del, p.Asp376fs (NM_001127491.3); c.918del, p.Asp307fs (NM_001303238.2); short protein forms D376fs, D307fs.
Identifiers: ClinVar variation 3652754 (VCV003652754.2).